The following is an entry in ClinVar:

ClinVar aggregate classification (germline): Conflicting classifications of pathogenicity. Review status: criteria provided, conflicting classifications (1 of 4 stars). 3 submissions from 3 submitters: Likely pathogenic (1); Uncertain significance (2). Last evaluated 2025-04-17.

Conditions:
Inborn genetic diseases. Identifiers: MedGen C0950123, MeSH D030342.
Medium-chain acyl-coenzyme A dehydrogenase deficiency (ACADMD). Also called: Medium chain acyl-CoA dehydrogenase deficiency; ACADM DEFICIENCY; CARNITINE DEFICIENCY SECONDARY TO MEDIUM-CHAIN ACYL-CoA DEHYDROGENASE DEFICIENCY; MCADD; MCAD Deficiency; MCADH DEFICIENCY. Identifiers: Orphanet 42, MedGen C0220710, MONDO:0008721, OMIM 201450.

Allele frequency attached by ClinVar (database versions not stated): ExAC 0.00001; gnomAD exomes 0.00001 and 0.00002; TOPMed 0.00001; gnomAD 0.00002.
gnomAD v4.1: 14 of 1,613,970 alleles (0.00087%); highest among the groups gnomAD compares: Non-Finnish European, 0.0012%; no homozygotes.

Submissions (3):

Natera, Inc.
Classification: Likely pathogenic for Medium Chain Acyl-CoA Dehydrogenase Deficiency. Last evaluated: 2025-04-17. Review status: criteria provided, single submitter. Criteria: Natera Variant Classification Schema (03/2026). Collection method: clinical testing. Allele origin: germline.
Comment: The c.1125A>G variant in ACADM is a missense variant predicted to cause substitution of isoleucine to methionine at amino acid 375. This variant is rare in the general population with a frequency below the threshold expected for the associated phenotype(s). This variant has been observed in one or more individuals affected with the associated recessive disease, as either homozygous or compound heterozygous with a second variant (PMID: 33580884). A different variant at the same position has been determined to be Pathogenic or Likely Pathogenic. Computational prediction algorithms indicate this variant is likely to affect gene or protein function. Given the available evidence, this variant is classified as Likely Pathogenic.

Ambry Genetics
Classification: Uncertain significance for Inborn genetic diseases. Last evaluated: 2022-03-03. Review status: criteria provided, single submitter. Criteria: Ambry Variant Classification Scheme 2023. Collection method: clinical testing. Allele origin: germline.
Comment: The p.I375M variant (also known as c.1125A>G), located in coding exon 11 of the ACADM gene, results from an A to G substitution at nucleotide position 1125. The isoleucine at codon 375 is replaced by methionine, an amino acid with highly similar properties. This amino acid position is conserved. In addition, the in silico prediction for this alteration is inconclusive. Since supporting evidence is limited at this time, the clinical significance of this alteration remains unclear.

Labcorp Genetics (formerly Invitae), Labcorp
Classification: Uncertain significance for Medium-chain acyl-coenzyme A dehydrogenase deficiency. Last evaluated: 2021-08-31. Review status: criteria provided, single submitter. Criteria: Invitae Variant Classification Sherloc (09022015). Collection method: clinical testing. Allele origin: germline.
Comment: This sequence change replaces isoleucine with methionine at codon 375 of the ACADM protein (p.Ile375Met). The isoleucine residue is moderately conserved and there is a small physicochemical difference between isoleucine and methionine. This variant is present in population databases (rs201809827, ExAC 0.001%). This variant has not been reported in the literature in individuals affected with ACADM-related conditions. Algorithms developed to predict the effect of missense changes on protein structure and function are either unavailable or do not agree on the potential impact of this missense change (SIFT: "Deleterious"; PolyPhen-2: "Probably Damaging"; Align-GVGD: "Class C0"). In summary, the available evidence is currently insufficient to determine the role of this variant in disease. Therefore, it has been classified as a Variant of Uncertain Significance.

Literature cited by the submitters: PubMed 33580884 (cited by Natera, Inc.).

NM_000016.6(ACADM):c.1125A>G (p.Ile375Met)

Gene: ACADM (acyl-CoA dehydrogenase medium chain; plus strand). Cytogenetic location: 1p31.1.
Variant type: single nucleotide variant.
Coding change: c.1125A>G on transcript NM_000016.6 (MANE Select); coding-DNA position 1125, A replaced by G.
Protein change: p.Ile375Met; replaces isoleucine 375 with methionine.
Molecular consequence: missense variant.
Genome position (GRCh38, 1-based): chr1:75,761,301, A>G. VCF-style: chr1-75761301-A-G. GRCh37 (hg19) VCF-style: chr1-76226986-A-G.
Other names: c.1137A>G, p.Ile379Met (NM_001127328.3); c.1017A>G, p.Ile339Met (NM_001286042.2); c.1224A>G, p.Ile408Met (NM_001286043.2); c.558A>G, p.Ile186Met (NM_001286044.2); short protein forms I379M, I186M, I339M, I375M, I408M.
Identifiers: ClinVar variation 642376 (VCV000642376.11), dbSNP rs201809827, ClinGen allele CA913278.